The following is an entry in ClinVar:

NM_017514.5(PLXNA3):c.1366G>A (p.Val456Met)

Gene: PLXNA3 (plexin A3; plus strand). Cytogenetic location: Xq28.
Variant type: single nucleotide variant.
Coding change: c.1366G>A on transcript NM_017514.5 (MANE Select); coding-DNA position 1366, G replaced by A.
Protein change: p.Val456Met; replaces valine 456 with methionine.
Molecular consequence: missense variant.
Genome position (GRCh38, 1-based): chrX:154,463,439, G>A. VCF-style: chrX-154463439-G-A. GRCh37 (hg19) VCF-style: chrX-153691782-G-A.
Other names: short protein forms V456M.
Identifiers: ClinVar variation 3030710 (VCV003030710.3), dbSNP rs143738443, ClinGen allele CA10564018.

ClinVar aggregate classification (germline): Uncertain significance (1 of 4 stars; one submission).

Conditions:
PLXNA3-related disorder. Also called: PLXNA3-related condition.

Allele frequency attached by ClinVar (database versions not stated): gnomAD 0.00002; gnomAD exomes 0.00006; TOPMed 0.00006; ESP Exome Variant Server 0.00009; ExAC 0.00012.
gnomAD v4.1: 73 of 1,207,009 alleles (0.006%); highest among the groups gnomAD compares: East Asian, 0.0089%; no homozygotes.

Submission:

PreventionGenetics, part of Exact Sciences
Classification: Uncertain significance for PLXNA3-related condition. Last evaluated: 2026-04-20. Review status: criteria provided, single submitter. Criteria: ACMG Guidelines, 2015. Collection method: clinical testing. Allele origin: germline.
Comment: The PLXNA3 c.1366G>A variant is predicted to result in the amino acid substitution p.Val456Met. This variant has been reported in a cohort of individuals with autism spectrum disorder (Supplementary Table 3, Li et al. 2017. PubMed ID: 28831199). However, this variant is also reported in 0.022% of alleles in individuals of East Asian descent in gnomAD, including six hemizygotes, which is more common than expected for a primary cause of disease. Although we suspect this variant may be benign, at this time, the clinical significance is uncertain due to the absence of conclusive functional and genetic evidence.